The following is an entry in ClinVar:

NM_000062.3(SERPING1):c.51+3A>C

Gene: SERPING1 (serpin family G member 1; plus strand). Cytogenetic location: 11q12.1.
Variant type: single nucleotide variant.
Coding change: c.51+3A>C on transcript NM_000062.3 (MANE Select); 3 bases into the intron after coding-DNA position 51, A replaced by C.
Molecular consequence: intron variant.
Genome position (GRCh38, 1-based): chr11:57,598,324, A>C. VCF-style: chr11-57598324-A-C. GRCh37 (hg19) VCF-style: chr11-57365797-A-C.
Other names: c.51+3A>C (NM_001032295.2).
Identifiers: ClinVar variation 2907408 (VCV002907408.5), dbSNP rs2495421197, ClinGen allele CA2556574080.
Genomic context (GRCh38, chr11:57,598,324, plus strand): 5'-CGCCCAGATGGCCTCCAGGCTGACCCTGCTGACCCTCCTGCTGCTGCTGCTGGCTGGGGT[A>C]TGTGGTCCCTTGTGGGATGGGGGACGGGGGTGGAGACGGGAGGCGGGATGGTGCGGGGTG-3'

ClinVar aggregate classification (germline): Pathogenic/Likely pathogenic. Review status: criteria provided, multiple submitters, no conflicts (2 of 4 stars). 2 submissions from 2 submitters: Pathogenic (1); Likely pathogenic (1). Last evaluated 2025-06-22.

Conditions:
Hereditary angioedema type 1 (HAE1). Identifiers: Orphanet 100050, Orphanet 100051, Orphanet 91378, MedGen C2717906, MONDO:0015053, OMIM 106100.

Submissions (2):

Labcorp Genetics (formerly Invitae), Labcorp
Classification: Likely pathogenic. Last evaluated: 2025-06-22. Review status: criteria provided, single submitter. Criteria: Invitae Variant Classification Sherloc (09022015). Collection method: clinical testing. Allele origin: germline.
Comment: This sequence change falls in intron 2 of the SERPING1 gene. It does not directly change the encoded amino acid sequence of the SERPING1 protein. It affects a nucleotide within the consensus splice site. This variant is not present in population databases (gnomAD no frequency). This variant has been observed in individuals with autosomal dominant hereditary angioedema (PMID: 29885370; internal data). ClinVar contains an entry for this variant (Variation ID: 2907408). Variants that disrupt the consensus splice site are a relatively common cause of aberrant splicing (PMID: 17576681, 9536098). Algorithms developed to predict the effect of sequence changes on RNA splicing suggest that this variant may disrupt the consensus splice site. This variant disrupts the c.51+3A nucleotide in the SERPING1 gene. Other variant(s) that disrupt this nucleotide have been determined to be pathogenic (PMID: 15971231, 16470590, 24456027). This suggests that this nucleotide is clinically significant, and that variants that disrupt this position are likely to be disease-causing. In summary, the currently available evidence indicates that the variant is pathogenic, but additional data are needed to prove that conclusively. Therefore, this variant has been classified as Likely Pathogenic.

DNA-diagnostics Laboratory, Research Centre For Medical Genetics
Classification: Pathogenic for Hereditary angioedema type 1. Last evaluated: 2024-06-30. Review status: criteria provided, single submitter. Criteria: ACMG Guidelines, 2015. Collection method: research. Allele origin: germline. Inheritance: Autosomal dominant inheritance. Affected: yes. Observed: 2 variant alleles, 2 heterozygotes.
Comment: According to our observation and the published information of Ponard et all, 2020, Charignon et all, 2018, the c.51+3A>C variant in SERPING1 meets ACMG/ClinGen SVI guidance criteria to be classified as pathogenic: PP4_Str, PS4_Mod, PS1_Mod, PM2_Sup, PP3

Literature cited by the submitters: PubMed 29885370 (cited by Labcorp Genetics (formerly Invitae), Labcorp and DNA-diagnostics Laboratory, Research Centre For Medical Genetics); PubMed 17576681 (cited by Labcorp Genetics (formerly Invitae), Labcorp); PubMed 9536098 (cited by Labcorp Genetics (formerly Invitae), Labcorp); PubMed 15971231 (cited by Labcorp Genetics (formerly Invitae), Labcorp); PubMed 16470590 (cited by Labcorp Genetics (formerly Invitae), Labcorp); PubMed 24456027 (cited by Labcorp Genetics (formerly Invitae), Labcorp); DOI 10.1002/humu.23917 (cited by DNA-diagnostics Laboratory, Research Centre For Medical Genetics).